The following is an entry in ClinVar:

ClinVar aggregate classification (germline): Uncertain significance. Review status: criteria provided, multiple submitters, no conflicts (2 of 4 stars). 2 submissions from 2 submitters: Uncertain significance (2). Last evaluated 2024-01-28.

Allele frequency attached by ClinVar (database versions not stated): 1000 Genomes Project 0.00020; ESP Exome Variant Server 0.00023; 1000 Genomes Project 30x 0.00031.

Submissions (2):

Labcorp Genetics (formerly Invitae), Labcorp
Classification: Uncertain significance. Last evaluated: 2024-01-28. Review status: criteria provided, single submitter. Criteria: Invitae Variant Classification Sherloc (09022015). Collection method: clinical testing. Allele origin: germline.
Comment: This sequence change replaces aspartic acid, which is acidic and polar, with glycine, which is neutral and non-polar, at codon 248 of the ERMARD protein (p.Asp248Gly). This variant is present in population databases (rs142502098, gnomAD 0.09%), and has an allele count higher than expected for a pathogenic variant. This variant has not been reported in the literature in individuals affected with ERMARD-related conditions. ClinVar contains an entry for this variant (Variation ID: 2139149). Algorithms developed to predict the effect of missense changes on protein structure and function output the following: SIFT: "Not Available"; PolyPhen-2: "Benign"; Align-GVGD: "Not Available". The glycine amino acid residue is found in multiple mammalian species, which suggests that this missense change does not adversely affect protein function. In summary, the available evidence is currently insufficient to determine the role of this variant in disease. Therefore, it has been classified as a Variant of Uncertain Significance.

Ambry Genetics
Classification: Uncertain significance. Last evaluated: 2021-10-12. Review status: criteria provided, single submitter. Criteria: Ambry Variant Classification Scheme 2023. Collection method: clinical testing. Allele origin: germline.

NM_018341.3(ERMARD):c.743A>G (p.Asp248Gly)

Gene: ERMARD (ER membrane associated RNA degradation; plus strand). Cytogenetic location: 6q27.
Variant type: single nucleotide variant.
Coding change: c.743A>G on transcript NM_018341.3 (MANE Select); coding-DNA position 743, A replaced by G.
Protein change: p.Asp248Gly; replaces aspartic acid 248 with glycine.
Molecular consequence: missense variant.
Genome position (GRCh38, 1-based): chr6:169,760,642, A>G. VCF-style: chr6-169760642-A-G. GRCh37 (hg19) VCF-style: chr6-170160738-A-G.
Other names: c.743A>G, p.Asp248Gly (NM_001278531.2, NM_001278533.2); c.365A>G, p.Asp122Gly (NM_001278532.2, NM_001410957.1); c.743A>G (NM_018341.1); short protein forms D122G, D248G.
Identifiers: ClinVar variation 2139149 (VCV002139149.5), dbSNP rs142502098, ClinGen allele CA4105985.
Genomic context (GRCh38, chr6:169,760,642, plus strand): 5'-TTTCCATCTTTTTTCAGTTGATCAGTATGATTGTGTTTAAAACCGTGTGTTATTTTACAG[A>G]TGTTACTTATGAGGTGCTTTCAGTATTAGAAGAAGTGATGATGAAATCTGCTTTTATATT-3'
Protein context (NP_060811.1, residues 238-258): TNLEDLIVFP[Asp248Gly]VTYEVLSVLE